The following is an entry in ClinVar:

ClinVar aggregate classification (germline): Uncertain significance (1 of 4 stars; one submission).

Conditions:
Epidermolysis bullosa simplex 3, localized or generalized intermediate, with BP230 deficiency (EBS3). Also called: Epidermolysis bullosa simplex, autosomal recessive 2; Epidermolysis bullosa simplex due to BP230 deficiency. Identifiers: Orphanet 412181, MedGen C3809470, MONDO:0014180, OMIM 615425.
Hereditary sensory and autonomic neuropathy type 6. Also called: HSAN VI; Neuropathy, hereditary sensory and autonomic, type VI. Identifiers: Orphanet 314381, MedGen C3539003, MONDO:0013839, OMIM 614653.

gnomAD v4.1: 4 of 1,613,192 alleles (0.00025%); highest among the groups gnomAD compares: Non-Finnish European, 0.00034%; no homozygotes.

Submission:

Labcorp Genetics (formerly Invitae), Labcorp
Classification: Uncertain significance for Epidermolysis bullosa simplex 3, localized or generalized intermediate, with BP230 deficiency; Hereditary sensory and autonomic neuropathy type 6. Last evaluated: 2025-09-16. Review status: criteria provided, single submitter. Criteria: Invitae Variant Classification Sherloc (09022015). Collection method: clinical testing. Allele origin: germline.
Comment: The DST gene has multiple clinically relevant transcripts. This variant occurs in alternate transcript NM_015548.4, and corresponds to NM_001723.5:c.*62811G>A in the primary transcript. This sequence change affects codon 2739 of the DST mRNA. It is a 'silent' change, meaning that it does not change the encoded amino acid sequence of the DST protein. This variant is not present in population databases (gnomAD no frequency). This variant has not been reported in the literature in individuals affected with DST-related conditions. Experimental studies and prediction algorithms are not available or were not evaluated, and the effect of this variant on mRNA splicing is currently unknown. In summary, the available evidence is currently insufficient to determine the role of this variant in disease. Therefore, it has been classified as a Variant of Uncertain Significance.

NM_001374736.1(DST):c.16086G>A (p.Glu5362=)

Gene: DST (dystonin; minus strand). Cytogenetic location: 6p12.1.
Variant type: single nucleotide variant.
Coding change: c.16086G>A on transcript NM_001374736.1 (MANE Select); coding-DNA position 16086, G replaced by A.
Protein change: p.Glu5362=; no amino-acid change (glutamic acid 5362 retained).
Molecular consequence: synonymous variant.
Genome position (GRCh38, 1-based): chr6:56,552,706, C>T on the plus strand (G>A on the coding strand, the complement: DST is on the minus strand). VCF-style: chr6-56552706-C-T. GRCh37 (hg19) VCF-style: chr6-56417504-C-T.
Other names: c.9729G>A, p.Glu3243= (NM_001144769.5); c.9315G>A, p.Glu3105= (NM_001144770.2); c.16086G>A, p.Glu5362= (NM_001374722.1); c.15453G>A, p.Glu5151= (NM_001374729.1); c.9195G>A, p.Glu3065= (NM_001374730.1, NM_001386100.1, NM_183380.4); c.16113G>A, p.Glu5371= (NM_001374734.1); c.8217G>A, p.Glu2739= (NM_015548.5).
Identifiers: ClinVar variation 4788163 (VCV004788163.1).